The following is an entry in ClinVar:

ClinVar aggregate classification (germline): Uncertain significance. Review status: criteria provided, multiple submitters, no conflicts (2 of 4 stars). 3 submissions from 3 submitters: Uncertain significance (3). Last evaluated 2024-04-08.

Conditions:
Inborn genetic diseases. Identifiers: MedGen C0950123, MeSH D030342.
Retinitis pigmentosa 13 (RP13). Also called: PRPF 8-Related Retinitis Pigmentosa. Identifiers: Orphanet 791, MedGen C1838702, MONDO:0010806, OMIM 600059.

Allele frequency attached by ClinVar (database versions not stated): TOPMed 0.00002; gnomAD 0.00003; 1000 Genomes Project 30x 0.00016; 1000 Genomes Project 0.00020; gnomAD exomes 0.00001 and 0.00002; ExAC 0.00002.

Submissions (3):

Labcorp Genetics (formerly Invitae), Labcorp
Classification: Uncertain significance. Last evaluated: 2024-04-08. Review status: criteria provided, single submitter. Criteria: Invitae Variant Classification Sherloc (09022015). Collection method: clinical testing. Allele origin: germline.
Comment: This sequence change replaces valine, which is neutral and non-polar, with isoleucine, which is neutral and non-polar, at codon 129 of the PRPF8 protein (p.Val129Ile). This variant is present in population databases (rs548682365, gnomAD 0.02%). This variant has not been reported in the literature in individuals affected with PRPF8-related conditions. ClinVar contains an entry for this variant (Variation ID: 941787). Advanced modeling of protein sequence and biophysical properties (such as structural, functional, and spatial information, amino acid conservation, physicochemical variation, residue mobility, and thermodynamic stability) performed at Invitae indicates that this missense variant is not expected to disrupt PRPF8 protein function with a negative predictive value of 80%. In summary, the available evidence is currently insufficient to determine the role of this variant in disease. Therefore, it has been classified as a Variant of Uncertain Significance.

Ambry Genetics
Classification: Uncertain significance for Inborn genetic diseases. Last evaluated: 2024-03-30. Review status: criteria provided, single submitter. Criteria: Ambry Variant Classification Scheme 2023. Collection method: clinical testing. Allele origin: germline.

Servicio Canario de Salud, Hospital Universitario Nuestra Sra. de Candelaria
Classification: Uncertain significance for Retinitis pigmentosa 13. Last evaluated: 2023-02-12. Review status: criteria provided, single submitter. Criteria: ACMG Guidelines, 2015. Collection method: clinical testing. Allele origin: unknown. Inheritance: Autosomal dominant inheritance. Affected: yes. Observed: 1 heterozygote.
Comment: This variant was in co-occurrency with the pathogenic NM_000539.3(RHO):c.1040C>T (p.Pro347Leu). This variant has not been reported in the literature in individuals affected with PRPF8-related conditions. This variant is present in population databases (gnomAD allele frequency 0.00001768; East Asian 0.0002005). ClinVar contains an entry for this variant (Variation ID: 937735). In silico analysis are inconclusive. To date there are no functional/experimental studies that evaluate the impact on protein. In summary, c.385G>A (p.Val129Ile) PRPF8 variant variant meets our criteria to be classified as Variant of Uncertain Significance-Probably Benign based upon its prevalence in healthy asian population and the co-occurence with a pathogenic RHO variant in our patient.

NM_006445.4(PRPF8):c.385G>A (p.Val129Ile)

Gene: PRPF8 (pre-mRNA processing factor 8; minus strand). Cytogenetic location: 17p13.3.
Variant type: single nucleotide variant.
Coding change: c.385G>A on transcript NM_006445.4 (MANE Select); coding-DNA position 385, G replaced by A.
Protein change: p.Val129Ile; replaces valine 129 with isoleucine.
Molecular consequence: missense variant.
Genome position (GRCh38, 1-based): chr17:1,682,178, C>T on the plus strand (G>A on the coding strand, the complement: PRPF8 is on the minus strand). VCF-style: chr17-1682178-C-T. GRCh37 (hg19) VCF-style: chr17-1585472-C-T.
Other names: short protein forms V129I.
Identifiers: ClinVar variation 941787 (VCV000941787.10), dbSNP rs548682365, ClinGen allele CA8272648.
Genomic context (GRCh38, chr17:1,682,178, plus strand): 5'-GCCTTTCTCACCCCCACTGGGAGATGTAGACAGGTTCAATGACCCAGGGAATCTCATTGA[C>T]GAAGGAAATGGCTCCAGTGATGTGGTACAGCACAGGCACATCCCGAATCTGCTCCCAAGG-3'
Protein context (NP_006436.3, residues 119-139): LYHITGAISF[Val129Ile]NEIPWVIEPV